The following is an entry in ClinVar:

ClinVar aggregate classification (germline): Uncertain significance. Review status: criteria provided, multiple submitters, no conflicts (2 of 4 stars). 2 submissions from 2 submitters: Uncertain significance (2). Last evaluated 2021-05-06.

Conditions:
Nemaline myopathy 2 (NEM2). Also called: Nemaline myopathy 2, autosomal recessive. Identifiers: MedGen C1850569, MONDO:0009725, OMIM 256030.

Allele frequency attached by ClinVar (database versions not stated): gnomAD exomes below 0.00001 and 0.00001; gnomAD 0.00001.
gnomAD v4.1: 6 of 1,613,550 alleles (0.00037%); highest among the groups gnomAD compares: Non-Finnish European, 0.00051%; no homozygotes.

Submissions (2):

Victorian Clinical Genetics Services, Murdoch Childrens Research Institute
Classification: Uncertain significance for Nemaline myopathy 2. Last evaluated: 2021-05-06. Review status: criteria provided, single submitter. Criteria: ACMG Guidelines, 2015. Collection method: clinical testing. Allele origin: germline. Inheritance: Autosomal recessive inheritance.
Comment: Based on the classification scheme VCGS_Germline_v1.3.4, this variant is classified as VUS-3B. Following criteria are met: 0102 - Loss of function is the proposed mechanism of disease in this gene and is associated with nemaline myopathy 2 (MIM#256030). (I) 0106 - This gene is associated with autosomal recessive disease. (I) 0115 - Variants in this gene are known to have variable expressivity (OMIM). (I) 0200 - Variant is predicted to result in a missense amino acid change from lysine to methionine. This variant is in exon 143 which is alternatively spliced (PMID: 15266303). (I) 0251 - This variant is heterozygous. (I) 0304 - Variant is present in gnomAD <0.01 for a recessive condition (v2: 2 heterozygotes, 0 homozygotes). (SP) 0502 - Missense variant with conflicting in silico predictions and uninformative conservation. (I) 0600 - Variant is located in the annotated S21 super-repeat region. Super-repeat regions in this gene have been shown to bind actin (PMIDs: 15266303; 30265400). (I) 0705 - No comparable missense variants have previous evidence for pathogenicity. (I) 0807 - This variant has no previous evidence of pathogenicity. (I) 0905 - No published segregation evidence has been identified for this variant. (I) 1007 - No published functional evidence has been identified for this variant. (I) Legend: (SP) - Supporting pathogenic, (I) - Information, (SB) - Supporting benign

Labcorp Genetics (formerly Invitae), Labcorp
Classification: Uncertain significance for Nemaline myopathy 2. Last evaluated: 2019-04-26. Review status: criteria provided, single submitter. Criteria: Invitae Variant Classification Sherloc (09022015). Collection method: clinical testing. Allele origin: germline.
Comment: This sequence change replaces lysine with methionine at codon 7131 of the NEB protein (p.Lys7131Met). The lysine residue is moderately conserved and there is a moderate physicochemical difference between lysine and methionine. This variant is not present in population databases (ExAC no frequency). This variant has not been reported in the literature in individuals with NEB-related conditions. Algorithms developed to predict the effect of missense changes on protein structure and function are either unavailable or do not agree on the potential impact of this missense change (SIFT: "Deleterious"; PolyPhen-2: "Not Available"; Align-GVGD: "Class C0"). In summary, the available evidence is currently insufficient to determine the role of this variant in disease. Therefore, it has been classified as a Variant of Uncertain Significance.

Literature cited by the submitters: PubMed 15266303 (cited by Victorian Clinical Genetics Services, Murdoch Childrens Research Institute); PubMed 30265400 (cited by Victorian Clinical Genetics Services, Murdoch Childrens Research Institute).

NM_001164507.2(NEB):c.21392A>T (p.Lys7131Met)

Genes: NEB (nebulin; minus strand), RIF1 (replication timing regulatory factor 1; plus strand). Cytogenetic location: 2q23.3.
Variant type: single nucleotide variant.
Coding change: c.21392A>T on transcript NM_001164507.2 (MANE Plus Clinical); coding-DNA position 21392, A replaced by T.
Protein change: p.Lys7131Met; replaces lysine 7131 with methionine.
Molecular consequence: missense variant. On other transcripts: intron variant (1).
Genome position (GRCh38, 1-based): chr2:151,534,240, T>A on the plus strand (A>T on the coding strand, the complement: NEB is on the minus strand). VCF-style: chr2-151534240-T-A. GRCh37 (hg19) VCF-style: chr2-152390754-T-A.
Other names: c.21392A>T, p.Lys7131Met (NM_001271208.2); c.16289A>T, p.Lys5430Met (NM_004543.5); c.21313-694A>T (NM_001164508.2); short protein forms K7131M, K5430M.
Identifiers: ClinVar variation 855213 (VCV000855213.2), dbSNP rs530565802, ClinGen allele CA57634260.